The following is an entry in ClinVar:

NM_001042424.3(NSD2):c.2155G>T (p.Val719Leu)

Gene: NSD2 (nuclear receptor binding SET domain protein 2; plus strand). Cytogenetic location: 4p16.3.
Variant type: single nucleotide variant.
Coding change: c.2155G>T on transcript NM_001042424.3 (MANE Select); coding-DNA position 2155, G replaced by T.
Protein change: p.Val719Leu; replaces valine 719 with leucine.
Molecular consequence: missense variant. On other transcripts: intron variant (1).
Genome position (GRCh38, 1-based): chr4:1,953,341, G>T. VCF-style: chr4-1953341-G-T. GRCh37 (hg19) VCF-style: chr4-1955068-G-T.
Other names: c.2155G>T, p.Val719Leu (NM_001440892.1, NM_001440894.1, NM_001440895.1 and 3 more transcripts); c.2254G>T, p.Val752Leu (NM_001440893.1); c.1948G>T, p.Val650Leu (NM_001440897.1, NM_001440898.1); c.1186G>T, p.Val396Leu (NM_001440899.1, NM_001440900.1); c.2137+1110G>T (NM_001440896.1); short protein forms V396L, V650L, V719L, V752L.
Identifiers: ClinVar variation 4823414 (VCV004823414.4).

ClinVar aggregate classification (germline): Uncertain significance (1 of 4 stars; one submission).

Submission:

CeGaT Center for Human Genetics Tuebingen
Classification: Uncertain significance. Last evaluated: 2026-02-01. Review status: criteria provided, single submitter. Criteria: CeGaT Center For Human Genetics Tuebingen Variant Classification Criteria Version 2. Collection method: clinical testing. Allele origin: germline. Affected: yes. Observed: 1 variant allele.
Comment: NSD2: PM2